The following is an entry in ClinVar:

NM_001330700.2(TOP2B):c.607_608delinsTT (p.Ala203Phe)

Gene: TOP2B (DNA topoisomerase II beta; minus strand). Cytogenetic location: 3p24.2.
Variant type: Indel.
Coding change: c.607_608delinsTT on transcript NM_001330700.2 (MANE Select); coding-DNA positions 607 to 608, GC replaced by TT.
Protein change: p.Ala203Phe; replaces alanine 203 with phenylalanine.
Molecular consequence: missense variant.
Genome position (GRCh38, 1-based): chr3:25,637,246-25,637,247, GC replaced by AA on the plus strand (GC replaced by TT on the coding strand, the reverse complement: TOP2B is on the minus strand). VCF-style: chr3-25637246-GC-AA. GRCh37 (hg19) VCF-style: chr3-25678737-GC-AA.
Other names: c.592_593delinsTT, p.Ala198Phe (NM_001068.3); short protein forms A203F, A198F.
Identifiers: ClinVar variation 1500865 (VCV001500865.6), dbSNP rs2125386842, ClinGen allele CA2573136402.

ClinVar aggregate classification (germline): Uncertain significance (1 of 4 stars; one submission).

Submission:

Labcorp Genetics (formerly Invitae), Labcorp
Classification: Uncertain significance. Last evaluated: 2022-08-16. Review status: criteria provided, single submitter. Criteria: Invitae Variant Classification Sherloc (09022015). Collection method: clinical testing. Allele origin: germline.
Comment: In summary, the available evidence is currently insufficient to determine the role of this variant in disease. Therefore, it has been classified as a Variant of Uncertain Significance. Algorithms developed to predict the effect of missense changes on protein structure and function are either unavailable or do not agree on the potential impact of this missense change (SIFT: "Not Available"; PolyPhen-2: "Probably Damaging"; Align-GVGD: "Not Available"). This sequence change replaces alanine with phenylalanine at codon 198 of the TOP2B protein (p.Ala198Phe). The alanine residue is highly conserved and there is a moderate physicochemical difference between alanine and phenylalanine. Information on the frequency of this variant in the gnomAD database is not available, as this variant may be reported differently in the database. This variant has not been reported in the literature in individuals affected with TOP2B-related conditions. ClinVar contains an entry for this variant (Variation ID: 1500865).